The following is an entry in ClinVar:

ClinVar aggregate classification (germline): Uncertain significance. Review status: criteria provided, multiple submitters, no conflicts (2 of 4 stars). 2 submissions from 2 submitters: Uncertain significance (2). Last evaluated 2025-12-11.

Conditions:
PLOD3-related disorder. Also called: PLOD3-related condition.

Allele frequency attached by ClinVar (database versions not stated): gnomAD exomes 0.00001; ExAC 0.00002; gnomAD 0.00003; TOPMed 0.00004.

Submissions (2):

PreventionGenetics, part of Exact Sciences
Classification: Uncertain significance for PLOD3-related condition. Last evaluated: 2025-12-11. Review status: criteria provided, single submitter. Criteria: ACMG Guidelines, 2015. Collection method: clinical testing. Allele origin: germline.
Comment: The PLOD3 c.590G>A variant is predicted to result in the amino acid substitution p.Arg197Gln. To our knowledge, this variant has not been reported in the literature. This variant is reported in 0.0026% of alleles in individuals of European (Non-Finnish) descent in gnomAD. At this time, the clinical significance of this variant is uncertain due to the absence of conclusive functional and genetic evidence.

Labcorp Genetics (formerly Invitae), Labcorp
Classification: Uncertain significance. Last evaluated: 2022-08-16. Review status: criteria provided, single submitter. Criteria: Invitae Variant Classification Sherloc (09022015). Collection method: clinical testing. Allele origin: germline.
Comment: This sequence change replaces arginine, which is basic and polar, with glutamine, which is neutral and polar, at codon 197 of the PLOD3 protein (p.Arg197Gln). This variant is present in population databases (rs746963202, gnomAD 0.003%). This variant has not been reported in the literature in individuals affected with PLOD3-related conditions. Algorithms developed to predict the effect of missense changes on protein structure and function output the following: SIFT: "Tolerated"; PolyPhen-2: "Benign"; Align-GVGD: "Class C0". The glutamine amino acid residue is found in multiple mammalian species, which suggests that this missense change does not adversely affect protein function. Algorithms developed to predict the effect of sequence changes on RNA splicing suggest that this variant may create or strengthen a splice site. In summary, the available evidence is currently insufficient to determine the role of this variant in disease. Therefore, it has been classified as a Variant of Uncertain Significance.

NM_001084.5(PLOD3):c.590G>A (p.Arg197Gln)

Gene: PLOD3 (procollagen-lysine,2-oxoglutarate 5-dioxygenase 3; minus strand). Cytogenetic location: 7q22.1.
Variant type: single nucleotide variant.
Coding change: c.590G>A on transcript NM_001084.5 (MANE Select); coding-DNA position 590, G replaced by A.
Protein change: p.Arg197Gln; replaces arginine 197 with glutamine.
Molecular consequence: missense variant.
Genome position (GRCh38, 1-based): chr7:101,215,933, C>T on the plus strand (G>A on the coding strand, the complement: PLOD3 is on the minus strand). VCF-style: chr7-101215933-C-T. GRCh37 (hg19) VCF-style: chr7-100859214-C-T.
Other names: c.590G>A (NM_001084.4); short protein forms R197Q.
Identifiers: ClinVar variation 1972157 (VCV001972157.3), dbSNP rs746963202, ClinGen allele CA4408139.